The following is an entry in ClinVar:

NM_001130144.3(LTBP3):c.332T>C (p.Val111Ala)

Gene: LTBP3 (latent transforming growth factor beta binding protein 3; minus strand). Cytogenetic location: 11q13.1.
Variant type: single nucleotide variant.
Coding change: c.332T>C on transcript NM_001130144.3 (MANE Select); coding-DNA position 332, T replaced by C.
Protein change: p.Val111Ala; replaces valine 111 with alanine.
Molecular consequence: missense variant. On other transcripts: 5 prime UTR variant (1).
Genome position (GRCh38, 1-based): chr11:65,554,380, A>G on the plus strand (T>C on the coding strand, the complement: LTBP3 is on the minus strand). VCF-style: chr11-65554380-A-G. GRCh37 (hg19) VCF-style: chr11-65321851-A-G.
Other names: c.-20T>C (NM_001164266.1); c.332T>C, p.Val111Ala (NM_021070.4); short protein forms V111A.
Identifiers: ClinVar variation 4738866 (VCV004738866.1).

ClinVar aggregate classification (germline): Uncertain significance (1 of 4 stars; one submission).

Conditions:
Brachyolmia-amelogenesis imperfecta syndrome. Also called: PLATYSPONDYLY WITH AMELOGENESIS IMPERFECTA; Tooth agenesis, selective, 6; Dental anomalies and short stature. Identifiers: Orphanet 2899, MedGen C1832594, MONDO:0011018, OMIM 601216. Disease mechanism: loss of function.

Submission:

Labcorp Genetics (formerly Invitae), Labcorp
Classification: Uncertain significance for Brachyolmia-amelogenesis imperfecta syndrome. Last evaluated: 2025-11-12. Review status: criteria provided, single submitter. Criteria: Invitae Variant Classification Sherloc (09022015). Collection method: clinical testing. Allele origin: germline.
Comment: This sequence change replaces valine, which is neutral and non-polar, with alanine, which is neutral and non-polar, at codon 111 of the LTBP3 protein (p.Val111Ala). This variant is not present in population databases (gnomAD no frequency). This variant has not been reported in the literature in individuals affected with LTBP3-related conditions. An algorithm developed to predict the effect of missense changes on protein structure and function (PolyPhen-2) suggests that this variant is likely to be disruptive. In summary, the available evidence is currently insufficient to determine the role of this variant in disease. Therefore, it has been classified as a Variant of Uncertain Significance.